The following is an entry in ClinVar:

NM_001002294.3(FMO3):c.370C>T (p.Gln124Ter)

Genes: FMO3 (flavin containing dimethylaniline monoxygenase 3; plus strand), LOC126805916 (BRD4-independent group 4 enhancer GRCh37_chr1:171076844-171078043; plus strand). Cytogenetic location: 1q24.3.
Variant type: single nucleotide variant.
Coding change: c.370C>T on transcript NM_001002294.3 (MANE Select); coding-DNA position 370, C replaced by T.
Protein change: p.Gln124Ter; replaces glutamine 124 with a stop codon.
Molecular consequence: nonsense.
Genome position (GRCh38, 1-based): chr1:171,107,723, C>T. VCF-style: chr1-171107723-C-T. GRCh37 (hg19) VCF-style: chr1-171076864-C-T.
Other names: c.370C>T (NM_001002294.2); c.310C>T, p.Gln104Ter (NM_001319173.2); c.181C>T, p.Gln61Ter (NM_001319174.2); c.370C>T, p.Gln124Ter (NM_006894.6); short protein forms Q124*, Q104*, Q61*.
Identifiers: ClinVar variation 562008 (VCV000562008.9), dbSNP rs1384237868, ClinGen allele CA343183126.
Genomic context (GRCh38, chr1:171,107,723, plus strand): 5'-TATTTCTCTTAGACATTTGTATCCAGTGTAAATAAACATCCTGATTTTGCAACTACTGGC[C>T]AGTGGGATGTTACCACTGAAAGGGATGGTAAAAAAGAATCGGCTGTCTTTGATGCTGTAA-3'

ClinVar aggregate classification (germline): Pathogenic/Likely pathogenic. Review status: criteria provided, multiple submitters, no conflicts (2 of 4 stars). 5 submissions from 5 submitters: Pathogenic (2); Likely pathogenic (2). 1 of the submissions does not count toward it. Last evaluated 2024-06-21.

Conditions:
Trimethylaminuria (TMAU). Also called: Primary Trimethylaminuria; Fish malodor syndrome; Stale fish syndrome; TMAuria; FISH-ODOR SYNDROME. Identifiers: MedGen C0342739, MONDO:0011182, OMIM 602079, HP:0003614. Disease mechanism: loss of function.

Allele frequency attached by ClinVar (database versions not stated): TOPMed 0.00002; gnomAD exomes 0.00001; gnomAD 0.00001.
gnomAD v4.1: 13 of 1,613,116 alleles (0.00081%); highest among the groups gnomAD compares: Middle Eastern, 0.016%; no homozygotes.

Submissions (5):

Fulgent Genetics
Classification: Likely pathogenic for Trimethylaminuria. Last evaluated: 2024-06-21. Review status: criteria provided, single submitter. Criteria: ACMG Guidelines, 2015. Collection method: clinical testing. Allele origin: germline.

Myriad Genetics, Inc.
Classification: Pathogenic for Trimethylaminuria. Last evaluated: 2024-05-03. Review status: criteria provided, single submitter. Criteria: Myriad Autosomal Dominant, Autosomal Recessive and X-Linked Classification Criteria (2023). Collection method: clinical testing. Allele origin: unknown.
Comment: NM_001002294.2(FMO3):c.370C>T(Q124*) is expected to be pathogenic in the context of primary trimethylaminuria. This variant is predicted to lead to an abnormal or absent protein product due to the creation of a premature termination codon in FMO3, a gene where loss-of-function variants are known to be pathogenic. Please note: this variant was assessed in the context of healthy population screening.

Labcorp Genetics (formerly Invitae), Labcorp
Classification: Pathogenic. Last evaluated: 2024-02-19. Review status: criteria provided, single submitter. Criteria: Invitae Variant Classification Sherloc (09022015). Collection method: clinical testing. Allele origin: germline.
Comment: This sequence change creates a premature translational stop signal (p.Gln124*) in the FMO3 gene. It is expected to result in an absent or disrupted protein product. Loss-of-function variants in FMO3 are known to be pathogenic (PMID: 20301282). This variant is present in population databases (no rsID available, gnomAD 0.006%). This variant has not been reported in the literature in individuals affected with FMO3-related conditions. ClinVar contains an entry for this variant (Variation ID: 562008). Algorithms developed to predict the effect of sequence changes on RNA splicing suggest that this variant may disrupt the consensus splice site. For these reasons, this variant has been classified as Pathogenic.

Women's Health and Genetics/Laboratory Corporation of America, LabCorp
Classification: Likely pathogenic for Trimethylaminuria. Last evaluated: 2023-02-16. Review status: criteria provided, single submitter. Criteria: LabCorp Variant Classification Summary - May 2015. Collection method: clinical testing. Allele origin: germline.
Comment: Variant summary: FMO3 c.370C>T (p.Gln124X) results in a premature termination codon, predicted to cause a truncation of the encoded protein or absence of the protein due to nonsense mediated decay, which are commonly known mechanisms for disease. The variant allele was found at a frequency of 8e-06 in 250866 control chromosomes (gnomAD). To our knowledge, no occurrence of c.370C>T in individuals affected with Trimethylaminuria and no experimental evidence demonstrating its impact on protein function have been reported. Two submitters have provided clinical-significance assessments for this variant to ClinVar after 2014 and both laboratories classified the variant as pathogenic (n=1)/likely pathogenic (n=1). Based on the evidence outlined above, the variant was classified as likely pathogenic.

Hehr Laboratory, Center for Human Genetics Regensburg
Classification: Likely pathogenic for Trimethylaminuria. Last evaluated: 2016-12-01. Review status: no assertion criteria provided. Collection method: clinical testing. Allele origin: paternal. Affected: yes. Observed: 1 compound heterozygote. Not counted in ClinVar's aggregate classification.

Literature cited by the submitters: PubMed 20301282 (cited by Labcorp Genetics (formerly Invitae), Labcorp).